The following is an entry in ClinVar:

NM_031924.8(RSPH3):c.537G>C (p.Leu179Phe)

Gene: RSPH3 (radial spoke head 3; minus strand). Cytogenetic location: 6q25.3.
Variant type: single nucleotide variant.
Coding change: c.537G>C on transcript NM_031924.8 (MANE Select); coding-DNA position 537, G replaced by C.
Protein change: p.Leu179Phe; replaces leucine 179 with phenylalanine.
Molecular consequence: missense variant. On other transcripts: non-coding transcript variant (1).
Genome position (GRCh38, 1-based): chr6:158,982,644, C>G on the plus strand (G>C on the coding strand, the complement: RSPH3 is on the minus strand). VCF-style: chr6-158982644-C-G. GRCh37 (hg19) VCF-style: chr6-159403676-C-G.
Other names: c.675G>C, p.Leu225Phe (NM_001346418.1); short protein forms L179F, L225F.
Identifiers: ClinVar variation 3699234 (VCV003699234.2).

ClinVar aggregate classification (germline): Uncertain significance (1 of 4 stars; one submission).

Conditions:
Primary ciliary dyskinesia 32. Also called: CILIARY DYSKINESIA, PRIMARY, 32, WITHOUT SITUS INVERSUS. Identifiers: Orphanet 244, MedGen C4225311, MONDO:0014657, OMIM 616481.

Submission:

Labcorp Genetics (formerly Invitae), Labcorp
Classification: Uncertain significance for Primary ciliary dyskinesia 32. Last evaluated: 2024-10-20. Review status: criteria provided, single submitter. Criteria: Invitae Variant Classification Sherloc (09022015). Collection method: clinical testing. Allele origin: germline.
Comment: This sequence change replaces leucine, which is neutral and non-polar, with phenylalanine, which is neutral and non-polar, at codon 321 of the RSPH3 protein (p.Leu321Phe). This variant is present in population databases (no rsID available, gnomAD 0.003%). This variant has not been reported in the literature in individuals affected with RSPH3-related conditions. An algorithm developed to predict the effect of missense changes on protein structure and function (PolyPhen-2) suggests that this variant is likely to be disruptive. In summary, the available evidence is currently insufficient to determine the role of this variant in disease. Therefore, it has been classified as a Variant of Uncertain Significance.